The following is an entry in ClinVar:

ClinVar aggregate classification (germline): Conflicting classifications of pathogenicity. Review status: criteria provided, conflicting classifications (1 of 4 stars). 2 submissions from 2 submitters: Likely pathogenic (1); Uncertain significance (1). Last evaluated 2023-04-12.

Conditions:
Jeune thoracic dystrophy. Also called: Short-rib thoracic dysplasia; Infantile thoracic dystrophy; Thoracic pelvic phalangeal dystrophy; Jeune's syndrome; Chondroectodermal dysplasia-like syndrome; Jeune syndrome. Identifiers: Orphanet 474, MedGen C0265275, MONDO:0018770.

Submissions (2):

Labcorp Genetics (formerly Invitae), Labcorp
Classification: Likely pathogenic for Jeune thoracic dystrophy. Last evaluated: 2023-04-12. Review status: criteria provided, single submitter. Criteria: Invitae Variant Classification Sherloc (09022015). Collection method: clinical testing. Allele origin: germline.
Comment: In summary, the currently available evidence indicates that the variant is pathogenic, but additional data are needed to prove that conclusively. Therefore, this variant has been classified as Likely Pathogenic. Advanced modeling of protein sequence and biophysical properties (such as structural, functional, and spatial information, amino acid conservation, physicochemical variation, residue mobility, and thermodynamic stability) performed at Invitae indicates that this missense variant is expected to disrupt DYNC2H1 protein function. ClinVar contains an entry for this variant (Variation ID: 558743). This missense change has been observed in individual(s) with asphyxiating thoracic dystrophy (PMID: 33875766). In at least one individual the data is consistent with being in trans (on the opposite chromosome) from a pathogenic variant. This variant is not present in population databases (gnomAD no frequency). This sequence change replaces aspartic acid, which is acidic and polar, with valine, which is neutral and non-polar, at codon 1924 of the DYNC2H1 protein (p.Asp1924Val).

Rare Disease Group, Clinical Genetics, Karolinska Institutet
Classification: Uncertain significance for Jeune thoracic dystrophy. Last evaluated: 2018-05-01. Review status: criteria provided, single submitter. Criteria: ACMG Guidelines, 2015. Collection method: research. Allele origin: paternal. Inheritance: Autosomal recessive inheritance. Affected: yes.

Literature cited by the submitters: PubMed 33875766 (cited by Labcorp Genetics (formerly Invitae), Labcorp).

NM_001377.3(DYNC2H1):c.5771A>T (p.Asp1924Val)

Gene: DYNC2H1 (dynein cytoplasmic 2 heavy chain 1; plus strand). Cytogenetic location: 11q22.3.
Variant type: single nucleotide variant.
Coding change: c.5771A>T on transcript NM_001377.3 (MANE Select); coding-DNA position 5771, A replaced by T.
Protein change: p.Asp1924Val; replaces aspartic acid 1924 with valine.
Molecular consequence: missense variant.
Genome position (GRCh38, 1-based): chr11:103,176,331, A>T. VCF-style: chr11-103176331-A-T. GRCh37 (hg19) VCF-style: chr11-103047060-A-T.
Other names: c.5771A>T, p.Asp1924Val (NM_001080463.2); short protein forms D1924V.
Identifiers: ClinVar variation 558743 (VCV000558743.6), dbSNP rs1565368733, ClinGen allele CA382244381.
Genomic context (GRCh38, chr11:103,176,331, plus strand): 5'-TTAATACCATGTCAAAGTTTACGTTTACTGATTGCACCCGGTTTGATGCACTGATAAAAG[A>T]TGTCTTTCCGGGAATTGAATTGAAAGAAGTGGAATATGATGAACTAAGTGCTGCATTAAA-3'
Protein context (NP_001368.2, residues 1914-1934): DCTRFDALIK[Asp1924Val]VFPGIELKEV